The following is an entry in ClinVar:

ClinVar aggregate classification (germline): Pathogenic/Likely pathogenic. Review status: criteria provided, multiple submitters, no conflicts (2 of 4 stars). 3 submissions from 3 submitters: Pathogenic (1); Likely pathogenic (2). Last evaluated 2019-05-28.

Conditions:
Neuronal ceroid lipofuscinosis. Also called: Neuronal Ceroid Lipofuscinoses. Identifiers: Orphanet 216, Orphanet 79263, MedGen C0027877, MONDO:0016295. Disease mechanism: loss of function.
Neuronal ceroid lipofuscinosis 2. Also called: JANSKY-BIELSCHOWSKY DISEASE NEURONAL CEROID LIPOFUSCINOSIS, LATE INFANTILE; TPP1-Related Neuronal Ceroid-Lipofuscinosis. Identifiers: Orphanet 168491, Orphanet 228349, Orphanet 79264, MedGen C1876161, MONDO:0008769, OMIM 204500.

Allele frequency attached by ClinVar (database versions not stated): gnomAD exomes below 0.00001.
gnomAD v4.1: 2 of 1,614,134 alleles (0.00012%); highest among the groups gnomAD compares: South Asian, 0.0022%; no homozygotes.

Submissions (3):

Mendelics
Classification: Likely pathogenic for Neuronal ceroid lipofuscinosis 1. Last evaluated: 2019-05-28. Review status: criteria provided, single submitter. Criteria: Mendelics Assertion Criteria 2017. Collection method: clinical testing. Allele origin: unknown.

Department Of Genetics, Lifeline Super Speciality Hospital, Adoor.
Classification: Pathogenic for Neuronal ceroid lipofuscinosis 2. Review status: criteria provided, single submitter. Criteria: ACMG Guidelines, 2015. Collection method: clinical testing. Allele origin: somatic. Inheritance: Autosomal recessive inheritance. Affected: yes. Observed: 2 variant alleles, 2 homozygotes. Clinical features observed: Developmental regression (HP:0002376), Progressive visual loss (HP:0000529), Seizure (HP:0001250).
Comment: Found a homozygous mutation g.3090G>C (IVS4+5G>A) in the CLN2 gene. The IVS4+5 position was completely replaced with the mutation, with no normal DNA. The IVS4+5G>A mutation is not in the CLN2 mutation database (URL). However, it is very likely that this mutation is the cause of disease due to abnormal splicing as it is predicted to destroy the splice donor site by the splicing prediction program at URL.

Suma Genomics
Classification: Likely pathogenic for Neuronal ceroid lipofuscinosis 2. Review status: criteria provided, single submitter. Criteria: ACMG Guidelines, 2015. Collection method: clinical testing. Allele origin: inherited. Inheritance: Autosomal recessive inheritance. Affected: yes.

NM_000391.4(TPP1):c.380+5G>A

Gene: TPP1 (tripeptidyl peptidase 1; minus strand). Cytogenetic location: 11p15.4.
Variant type: single nucleotide variant.
Coding change: c.380+5G>A on transcript NM_000391.4 (MANE Select); 5 bases into the intron after coding-DNA position 380, G replaced by A.
Molecular consequence: intron variant.
Genome position (GRCh38, 1-based): chr11:6,617,621, C>T on the plus strand (G>A on the coding strand, the complement: TPP1 is on the minus strand). VCF-style: chr11-6617621-C-T. GRCh37 (hg19) VCF-style: chr11-6638852-C-T.
Identifiers: ClinVar variation 599035 (VCV000599035.9), dbSNP rs1564855725, ClinGen allele CA913190239.